The following is an entry in ClinVar:

ClinVar aggregate classification (germline): Uncertain significance. Review status: criteria provided, multiple submitters, no conflicts (2 of 4 stars). 2 submissions from 2 submitters: Uncertain significance (2). Last evaluated 2019-11-18.

Conditions:
Combined immunodeficiency due to LRBA deficiency. Also called: Common variable immunodeficiency 8, with autoimmunity. Identifiers: Orphanet 445018, MedGen C3553512, MONDO:0013863, OMIM 614700.

Allele frequency attached by ClinVar (database versions not stated): gnomAD exomes 0.00001; TOPMed 0.00001.
gnomAD v4.1: 8 of 1,604,134 alleles (0.0005%); highest among the groups gnomAD compares: South Asian, 0.0011%; no homozygotes.

Submissions (2):

Labcorp Genetics (formerly Invitae), Labcorp
Classification: Uncertain significance for Combined immunodeficiency due to LRBA deficiency. Last evaluated: 2019-11-18. Review status: criteria provided, single submitter. Criteria: Invitae Variant Classification Sherloc (09022015). Collection method: clinical testing. Allele origin: germline.
Comment: In summary, the available evidence is currently insufficient to determine the role of this variant in disease. Therefore, it has been classified as a Variant of Uncertain Significance. Algorithms developed to predict the effect of missense changes on protein structure and function are either unavailable or do not agree on the potential impact of this missense change (SIFT: "Deleterious"; PolyPhen-2: "Probably Damaging"; Align-GVGD: "Class C0"). This variant has not been reported in the literature in individuals with LRBA-related conditions. This variant is not present in population databases (ExAC no frequency). This sequence change replaces arginine with tryptophan at codon 1441 of the LRBA protein (p.Arg1441Trp). The arginine residue is moderately conserved and there is a moderate physicochemical difference between arginine and tryptophan.

Juno Genomics, Hangzhou Juno Genomics, Inc
Classification: Uncertain significance for Combined immunodeficiency due to LRBA deficiency. Review status: criteria provided, single submitter. Criteria: ACMG Guidelines, 2015. Collection method: clinical testing. Allele origin: germline. Affected: yes.
Comment: Absent from controls (or at extremely low frequency if recessive) in Genome Aggregation Database, Exome Sequencing Project, 1000 Genomes Project, or Exome Aggregation Consortium.;For recessive disorders, detected in trans with a pathogenic variant.;Patient's phenotype or family history is highly specific for a disease with a single genetic etiology.

NM_001364905.1(LRBA):c.4321C>T (p.Arg1441Trp)

Gene: LRBA (LPS responsive beige-like anchor protein; minus strand). Cytogenetic location: 4q31.3.
Variant type: single nucleotide variant.
Coding change: c.4321C>T on transcript NM_001364905.1 (MANE Select); coding-DNA position 4321, C replaced by T.
Protein change: p.Arg1441Trp; replaces arginine 1441 with tryptophan.
Molecular consequence: missense variant.
Genome position (GRCh38, 1-based): chr4:150,848,836, G>A on the plus strand (C>T on the coding strand, the complement: LRBA is on the minus strand). VCF-style: chr4-150848836-G-A. GRCh37 (hg19) VCF-style: chr4-151769988-G-A.
Other names: c.4321C>T, p.Arg1441Trp (NM_001199282.3, NM_001367550.1, NM_006726.5); short protein forms R1441W.
Identifiers: ClinVar variation 846789 (VCV000846789.11), dbSNP rs1424674965, ClinGen allele CA358452634.